The following is an entry in ClinVar:

ClinVar aggregate classification (germline): Benign/Likely benign. Review status: criteria provided, multiple submitters, no conflicts (2 of 4 stars). 3 submissions from 3 submitters: Benign (1); Likely benign (2). Last evaluated 2025-03-28.

Conditions:
Hereditary cancer-predisposing syndrome. Also called: Neoplastic Syndromes, Hereditary; Hereditary neoplastic syndrome; Hereditary Cancer Syndrome; Tumor predisposition. Identifiers: Orphanet 140162, MedGen C0027672, MeSH D009386, MONDO:0015356.
Peutz-Jeghers syndrome (PJS). Also called: Peutz-Jeghers polyposis; Periorificial lentiginosis syndrome; POLYPOSIS, HAMARTOMATOUS INTESTINAL; POLYPS-AND-SPOTS SYNDROME. Identifiers: Orphanet 2869, MedGen C0031269, MeSH D010580, MONDO:0008280, OMIM 175200.

Allele frequency attached by ClinVar (database versions not stated): gnomAD 0.00001.
gnomAD v4.1: 1 of 1,600,026 alleles (0.000062%); highest among the groups gnomAD compares: African/African-American, 0.0013%; no homozygotes.

Submissions (3):

Myriad Genetics, Inc.
Classification: Benign for Peutz-Jeghers syndrome. Last evaluated: 2025-03-28. Review status: criteria provided, single submitter. Criteria: Myriad Autosomal Dominant, Autosomal Recessive and X-Linked Classification Criteria (2023). Collection method: clinical testing. Allele origin: unknown.
Comment: This variant is considered benign. This variant is a silent/synonymous amino acid change and it is not expected to impact splicing.

Ambry Genetics
Classification: Likely benign for Hereditary cancer-predisposing syndrome. Last evaluated: 2024-08-12. Review status: criteria provided, single submitter. Criteria: Ambry Variant Classification Scheme 2023. Collection method: clinical testing. Allele origin: germline.

Labcorp Genetics (formerly Invitae), Labcorp
Classification: Likely benign for Peutz-Jeghers syndrome. Last evaluated: 2024-02-06. Review status: criteria provided, single submitter. Criteria: Invitae Variant Classification Sherloc (09022015). Collection method: clinical testing. Allele origin: germline.

NM_000455.5(STK11):c.981C>T (p.Asp327=)

Gene: STK11 (serine/threonine kinase 11; plus strand). Cytogenetic location: 19p13.3.
Variant type: single nucleotide variant.
Coding change: c.981C>T on transcript NM_000455.5 (MANE Select); coding-DNA position 981, C replaced by T.
Protein change: p.Asp327=; no amino-acid change (aspartic acid 327 retained).
Molecular consequence: synonymous variant.
Genome position (GRCh38, 1-based): chr19:1,223,045, C>T. VCF-style: chr19-1223045-C-T. GRCh37 (hg19) VCF-style: chr19-1223044-C-T.
Other names: c.981C>T (NM_000455.4).
Identifiers: ClinVar variation 1083384 (VCV001083384.11), dbSNP rs2080796456, ClinGen allele CA504707753.